The following is an entry in ClinVar:

NM_004995.4(MMP14):c.712G>C (p.Val238Leu)

Gene: MMP14 (matrix metallopeptidase 14; plus strand). Cytogenetic location: 14q11.2.
Variant type: single nucleotide variant.
Coding change: c.712G>C on transcript NM_004995.4 (MANE Select); coding-DNA position 712, G replaced by C.
Protein change: p.Val238Leu; replaces valine 238 with leucine.
Molecular consequence: missense variant.
Genome position (GRCh38, 1-based): chr14:22,843,280, G>C. VCF-style: chr14-22843280-G-C. GRCh37 (hg19) VCF-style: chr14-23312489-G-C.
Other names: short protein forms V238L.
Identifiers: ClinVar variation 3696083 (VCV003696083.2).

ClinVar aggregate classification (germline): Uncertain significance (1 of 4 stars; one submission).

Submission:

Labcorp Genetics (formerly Invitae), Labcorp
Classification: Uncertain significance. Last evaluated: 2024-04-05. Review status: criteria provided, single submitter. Criteria: Invitae Variant Classification Sherloc (09022015). Collection method: clinical testing. Allele origin: germline.
Comment: This sequence change replaces valine, which is neutral and non-polar, with leucine, which is neutral and non-polar, at codon 238 of the MMP14 protein (p.Val238Leu). This variant is not present in population databases (gnomAD no frequency). This variant has not been reported in the literature in individuals affected with MMP14-related conditions. Advanced modeling of protein sequence and biophysical properties (such as structural, functional, and spatial information, amino acid conservation, physicochemical variation, residue mobility, and thermodynamic stability) performed at Invitae indicates that this missense variant is not expected to disrupt MMP14 protein function with a negative predictive value of 80%. In summary, the available evidence is currently insufficient to determine the role of this variant in disease. Therefore, it has been classified as a Variant of Uncertain Significance.